The following is an entry in ClinVar:

ClinVar aggregate classification (germline): Benign (0 of 4 stars; one submission).

Conditions:
KCNJ12-related disorder. Also called: KCNJ12-related condition.

Allele frequency attached by ClinVar (database versions not stated): 1000 Genomes Project 0.49980; ExAC 0.49998.

Submission:

PreventionGenetics, part of Exact Sciences
Classification: Benign for KCNJ12-related condition. Last evaluated: 2019-10-17. Review status: no assertion criteria provided. Collection method: clinical testing. Allele origin: germline.
Comment: This variant is classified as benign based on ACMG/AMP sequence variant interpretation guidelines (Richards et al. 2015 PMID: 25741868, with internal and published modifications).

NM_021012.5(KCNJ12):c.298A>G (p.Ile100Val)

Gene: KCNJ12 (potassium inwardly rectifying channel subfamily J member 12; plus strand). Cytogenetic location: 17p11.2.
Variant type: single nucleotide variant.
Coding change: c.298A>G on transcript NM_021012.5 (MANE Select); coding-DNA position 298, A replaced by G.
Protein change: p.Ile100Val; replaces isoleucine 100 with valine.
Molecular consequence: missense variant.
Genome position (GRCh38, 1-based): chr17:21,415,640, A>G. VCF-style: chr17-21415640-A-G. GRCh37 (hg19) VCF-style: chr17-21318952-A-G.
Other names: short protein forms I100V.
Identifiers: ClinVar variation 3060590 (VCV003060590.2), dbSNP rs8076599, ClinGen allele CA8451067.